The following is an entry in ClinVar:

NM_001378454.1(ALMS1):c.7237dup (p.Ser2413fs)

Gene: ALMS1 (ALMS1 centrosome and basal body associated protein; plus strand). Cytogenetic location: 2p13.1.
Variant type: Duplication.
Coding change: c.7237dup on transcript NM_001378454.1 (MANE Select); coding-DNA position 7237, one base duplicated (A; older notation c.7237dupA).
Protein change: p.Ser2413fs; shifts the reading frame from serine 2413.
Molecular consequence: frameshift variant.
Genome position (GRCh38, 1-based): chr2:73,453,764, A duplicated; the last of 5 consecutive A bases (chr2:73,453,760-73,453,764); duplicating any one gives the same sequence. VCF-style (leftmost placement, unchanged base first): chr2-73453759-T-TA. GRCh37 (hg19) VCF-style: chr2-73680886-T-TA.
Other names: c.7240dupA (NM_015120.4); c.7240dup, p.Ser2414fs (NM_015120.4); short protein forms S2414fs, S2413fs.
Identifiers: ClinVar variation 552995 (VCV000552995.7), dbSNP rs1553404426, ClinGen allele CA658822899.

ClinVar aggregate classification (germline): Pathogenic/Likely pathogenic. Review status: criteria provided, multiple submitters, no conflicts (2 of 4 stars). 3 submissions from 3 submitters: Pathogenic (1); Likely pathogenic (1). 1 of the submissions does not count toward it. Last evaluated 2023-09-09.

Conditions:
ALMS1-related disorder. Also called: ALMS1-related condition.
Alstrom syndrome (ALMS). Identifiers: Orphanet 64, MedGen C0268425, MONDO:0008763, OMIM 203800.

Submissions (3):

Labcorp Genetics (formerly Invitae), Labcorp
Classification: Pathogenic for Alstrom syndrome. Last evaluated: 2023-09-09. Review status: criteria provided, single submitter. Criteria: Invitae Variant Classification Sherloc (09022015). Collection method: clinical testing. Allele origin: germline.
Comment: This sequence change creates a premature translational stop signal (p.Ser2414Lysfs*2) in the ALMS1 gene. It is expected to result in an absent or disrupted protein product. Loss-of-function variants in ALMS1 are known to be pathogenic (PMID: 17594715). This variant is not present in population databases (gnomAD no frequency). This variant has not been reported in the literature in individuals affected with ALMS1-related conditions. ClinVar contains an entry for this variant (Variation ID: 552995). For these reasons, this variant has been classified as Pathogenic.

Blueprint Genetics
Classification: Likely pathogenic for ALMS1-related disorders. Last evaluated: 2021-04-01. Review status: criteria provided, single submitter. Criteria: ACMG Guidelines, 2015. Collection method: clinical testing. Allele origin: germline. Affected: yes. Observed: 2 variant alleles.

Counsyl
Classification: Likely pathogenic for Alstrom syndrome. Last evaluated: 2017-08-02. Review status: no assertion criteria provided. Collection method: clinical testing. Allele origin: unknown. Not counted in ClinVar's aggregate classification.

Literature cited by the submitters: PubMed 17594715 (cited by Labcorp Genetics (formerly Invitae), Labcorp).